The following is an entry in ClinVar:

ClinVar aggregate classification (germline): Likely benign (0 of 4 stars; one submission).

Conditions:
PLXNA1-related disorder. Also called: PLXNA1-related condition.

gnomAD v4.1: 11 of 1,602,922 alleles (0.00069%); highest among the groups gnomAD compares: African/African-American, 0.0013%; no homozygotes.

Submission:

PreventionGenetics, part of Exact Sciences
Classification: Likely benign for PLXNA1-related condition. Last evaluated: 2024-04-05. Review status: no assertion criteria provided. Collection method: clinical testing. Allele origin: germline.
Comment: This variant is classified as likely benign based on ACMG/AMP sequence variant interpretation guidelines (Richards et al. 2015 PMID: 25741868, with internal and published modifications).

NM_032242.4(PLXNA1):c.4295+9G>T

Gene: PLXNA1 (plexin A1; plus strand). Cytogenetic location: 3q21.3.
Variant type: single nucleotide variant.
Coding change: c.4295+9G>T on transcript NM_032242.4 (MANE Select); 9 bases into the intron after coding-DNA position 4295, G replaced by T.
Molecular consequence: intron variant.
Genome position (GRCh38, 1-based): chr3:127,022,350, G>T. VCF-style: chr3-127022350-G-T. GRCh37 (hg19) VCF-style: chr3-126741193-G-T.
Identifiers: ClinVar variation 3346734 (VCV003346734.1).